The following is an entry in ClinVar:

ClinVar aggregate classification (germline): Likely benign. Review status: criteria provided, multiple submitters, no conflicts (2 of 4 stars). 5 submissions from 5 submitters: Likely benign (4). 1 of the submissions does not count toward it. Last evaluated 2026-01-20.

Conditions:
Retinitis pigmentosa 25 (RP25). Identifiers: Orphanet 791, MedGen C1864446, MONDO:0011272, OMIM 602772.
EYS-related disorder. Also called: EYS-related condition.

Allele frequency attached by ClinVar (database versions not stated): gnomAD exomes 0.00011; ExAC 0.00018; 1000 Genomes Project 30x 0.00047; 1000 Genomes Project 0.00060; ESP Exome Variant Server 0.00066; gnomAD 0.00068 and 0.00071; TOPMed 0.00070.
gnomAD v4.1: 199 of 1,550,110 alleles (0.013%); highest among the groups gnomAD compares: African/African-American, 0.22%; 1 homozygote.

Submissions (5):

Labcorp Genetics (formerly Invitae), Labcorp
Classification: Likely benign. Last evaluated: 2026-01-20. Review status: criteria provided, single submitter. Criteria: Invitae Variant Classification Sherloc (09022015). Collection method: clinical testing. Allele origin: germline.

PreventionGenetics, part of Exact Sciences
Classification: Likely benign for EYS-related condition. Last evaluated: 2025-03-31. Review status: criteria provided, single submitter. Criteria: ACMG Guidelines, 2015. Collection method: clinical testing. Allele origin: germline.
Comment: This variant is classified as likely benign based on ACMG/AMP sequence variant interpretation guidelines (Richards et al. 2015 PMID: 25741868, with internal and published modifications).

Blueprint Genetics
Classification: Likely benign. Last evaluated: 2024-02-16. Review status: criteria provided, single submitter. Criteria: ACMG Guidelines, 2015. Collection method: clinical testing. Allele origin: germline.

CeGaT Center for Human Genetics Tuebingen
Classification: Likely benign. Last evaluated: 2022-12-01. Review status: criteria provided, single submitter. Criteria: CeGaT Center For Human Genetics Tuebingen Variant Classification Criteria Version 2. Collection method: clinical testing. Allele origin: germline. Affected: yes. Observed: 1 variant allele.
Comment: EYS: BP4, BP7

Natera, Inc.
Classification: Uncertain significance for Retinitis pigmentosa type 25. Last evaluated: 2019-11-11. Review status: no assertion criteria provided. Collection method: clinical testing. Allele origin: germline. Not counted in ClinVar's aggregate classification.

NM_001142800.2(EYS):c.2109C>T (p.Tyr703=)

Gene: EYS (EGF-like photoreceptor maintenance factor; minus strand). Cytogenetic location: 6q12.
Variant type: single nucleotide variant.
Coding change: c.2109C>T on transcript NM_001142800.2 (MANE Select); coding-DNA position 2109, C replaced by T.
Protein change: p.Tyr703=; no amino-acid change (tyrosine 703 retained).
Molecular consequence: synonymous variant.
Genome position (GRCh38, 1-based): chr6:65,057,642, G>A on the plus strand (C>T on the coding strand, the complement: EYS is on the minus strand). VCF-style: chr6-65057642-G-A. GRCh37 (hg19) VCF-style: chr6-65767535-G-A.
Other names: c.2109C>T, p.Tyr703= (NM_001292009.2).
Identifiers: ClinVar variation 738934 (VCV000738934.36), dbSNP rs377090818, ClinGen allele CA3877325.
Genomic context (GRCh38, chr6:65,057,642, plus strand): 5'-TTTGCTTTTCCTTATCCCTTGGTGTTCATTACCTTTAAATGGAGGCACACACTGGCAGAA[G>A]TAATTACCAGGTTGGTCAATGCAGGTGGCTCCATTTTTGCAGGGATGTGAAGCACACTCA-3'
Protein context (NP_001136272.1, residues 693-713): GATCIDQPGN[Tyr703=]FCQCVPPFKV